The following is an entry in ClinVar:

ClinVar aggregate classification (germline): Uncertain significance. Review status: criteria provided, multiple submitters, no conflicts (2 of 4 stars). 2 submissions from 2 submitters: Uncertain significance (2). Last evaluated 2026-02-16.

Conditions:
NBAS-related disorder. Also called: NBAS-related condition.
Inborn genetic diseases. Identifiers: MedGen C0950123, MeSH D030342.

gnomAD v4.1: 4 of 1,613,162 alleles (0.00025%); highest among the groups gnomAD compares: African/African-American, 0.004%; no homozygotes.

Submissions (2):

PreventionGenetics, part of Exact Sciences
Classification: Uncertain significance for NBAS-related condition. Last evaluated: 2026-02-16. Review status: criteria provided, single submitter. Criteria: ACMG Guidelines, 2015. Collection method: clinical testing. Allele origin: germline.
Comment: The NBAS c.959G>A variant is predicted to result in the amino acid substitution p.Gly320Glu. To our knowledge, this variant has not been reported in the literature. This variant is reported in 0.0062% of alleles in individuals of African descent in gnomAD. At this time, the clinical significance of this variant is uncertain due to the absence of conclusive functional and genetic evidence.

Ambry Genetics
Classification: Uncertain significance for Inborn genetic diseases. Last evaluated: 2025-06-07. Review status: criteria provided, single submitter. Criteria: Ambry Variant Classification Scheme 2023. Collection method: clinical testing. Allele origin: germline.

NM_015909.4(NBAS):c.959G>A (p.Gly320Glu)

Gene: NBAS (NBAS subunit of NRZ tethering complex; minus strand). Cytogenetic location: 2p24.3.
Variant type: single nucleotide variant.
Coding change: c.959G>A on transcript NM_015909.4 (MANE Select); coding-DNA position 959, G replaced by A.
Protein change: p.Gly320Glu; replaces glycine 320 with glutamic acid.
Molecular consequence: missense variant. On other transcripts: non-coding transcript variant (1).
Genome position (GRCh38, 1-based): chr2:15,489,018, C>T on the plus strand (G>A on the coding strand, the complement: NBAS is on the minus strand). VCF-style: chr2-15489018-C-T. GRCh37 (hg19) VCF-style: chr2-15629142-C-T.
Other names: c.959G>A (NM_015909.3); short protein forms G320E.
Identifiers: ClinVar variation 3917479 (VCV003917479.2).